The following is an entry in ClinVar:

ClinVar aggregate classification (germline): Benign/Likely benign. Review status: criteria provided, multiple submitters, no conflicts (2 of 4 stars). 8 submissions from 5 submitters: Benign (7); Likely benign (1). Last evaluated 2026-09-01.

Conditions:
Early-onset myopathy with fatal cardiomyopathy (CMYO5). Also called: CONGENITAL MYOPATHY 5 WITH CARDIOMYOPATHY; Salih Myopathy. Identifiers: Orphanet 289377, MedGen C2673677, MONDO:0012714, OMIM 611705. Disease mechanism: loss of function.
Autosomal recessive limb-girdle muscular dystrophy type 2J (LGMDR10). Also called: Limb-girdle muscular dystrophy, type 2J; MUSCULAR DYSTROPHY, LIMB-GIRDLE, AUTOSOMAL RECESSIVE 10. Identifiers: Orphanet 140922, MedGen C1837342, MONDO:0012127, OMIM 608807.
Dilated cardiomyopathy 1G (CMD1G). Identifiers: Orphanet 154, MedGen C1858763, MONDO:0011400, OMIM 604145.
Myopathy, myofibrillar, 9, with early respiratory failure (MFM9). Also called: Hereditary myopathy with early respiratory failure; Myopathy, distal, with early respiratory failure, autosomal dominant; EDSTROM MYOPATHY; MYOPATHY, PROXIMAL, WITH EARLY RESPIRATORY MUSCLE INVOLVEMENT. Identifiers: Orphanet 178464, Orphanet 34521, MedGen C1863599, MONDO:0011362, OMIM 603689.
Tibial muscular dystrophy (TMD). Also called: Tibial muscular dystrophy, tardive; Udd Distal Myopathy – Tibial Muscular Dystrophy; UDD MYOPATHY. Identifiers: Orphanet 609, MedGen C1838244, MONDO:0010870, OMIM 600334.

Allele frequency attached by ClinVar (database versions not stated): gnomAD 0.00028 and 0.00040; gnomAD exomes 0.00038 and 0.00119; TOPMed 0.00073; ExAC 0.00115; 1000 Genomes Project 30x 0.00281; 1000 Genomes Project 0.00339.
gnomAD v4.1: 630 of 1,595,486 alleles (0.039%); highest among the groups gnomAD compares: East Asian, 1.1%; 30 homozygotes.

Submissions (8):

CeGaT Center for Human Genetics Tuebingen
Classification: Benign. Last evaluated: 2026-09-01. Review status: criteria provided, single submitter. Criteria: CeGaT Center For Human Genetics Tuebingen Variant Classification Criteria Version 2. Collection method: clinical testing. Allele origin: germline. Affected: yes. Observed: 1 variant allele.
Comment: TTN: BS1, BS2

Athena Diagnostics
Classification: Benign. Last evaluated: 2025-10-28. Review status: criteria provided, single submitter. Criteria: Athena Diagnostics Criteria. Collection method: clinical testing. Allele origin: unknown.
Comment: The frequency of this variant in the general population is higher than would generally be expected for pathogenic variants in this gene.

Labcorp Genetics (formerly Invitae), Labcorp
Classification: Benign for Dilated cardiomyopathy 1G; Autosomal recessive limb-girdle muscular dystrophy type 2J. Last evaluated: 2025-01-06. Review status: criteria provided, single submitter. Criteria: Invitae Variant Classification Sherloc (09022015). Collection method: clinical testing. Allele origin: germline.

Genome-Nilou Lab
Classification: Benign for Autosomal recessive limb-girdle muscular dystrophy type 2J. Last evaluated: 2021-09-10. Review status: criteria provided, single submitter. Criteria: ACMG Guidelines, 2015. Collection method: clinical testing. Allele origin: germline. Affected: no.

Genome-Nilou Lab
Classification: Benign for Myopathy, myofibrillar, 9, with early respiratory failure. Last evaluated: 2021-09-10. Review status: criteria provided, single submitter. Criteria: ACMG Guidelines, 2015. Collection method: clinical testing. Allele origin: germline. Affected: no.

Genome-Nilou Lab
Classification: Benign for Early-onset myopathy with fatal cardiomyopathy. Last evaluated: 2021-09-10. Review status: criteria provided, single submitter. Criteria: ACMG Guidelines, 2015. Collection method: clinical testing. Allele origin: germline. Affected: no.

Genome-Nilou Lab
Classification: Benign for Tibial muscular dystrophy. Last evaluated: 2021-09-10. Review status: criteria provided, single submitter. Criteria: ACMG Guidelines, 2015. Collection method: clinical testing. Allele origin: germline. Affected: no.

GeneDx
Classification: Likely benign. Last evaluated: 2018-11-27. Review status: criteria provided, single submitter. Criteria: GeneDx Variant Classification Process June 2021. Collection method: clinical testing. Allele origin: germline. Affected: yes.

Literature cited by the submitters: PubMed 29988065 (cited by Athena Diagnostics).

NM_001267550.2(TTN):c.38378A>G (p.Lys12793Arg)

Gene: TTN (titin; minus strand). Cytogenetic location: 2q31.2.
Variant type: single nucleotide variant.
Coding change: c.38378A>G on transcript NM_001267550.2 (MANE Select); coding-DNA position 38378, A replaced by G.
Protein change: p.Lys12793Arg; replaces lysine 12793 with arginine.
Molecular consequence: missense variant. On other transcripts: intron variant (5).
Genome position (GRCh38, 1-based): chr2:178,654,210, T>C on the plus strand (A>G on the coding strand, the complement: TTN is on the minus strand). VCF-style: chr2-178654210-T-C. GRCh37 (hg19) VCF-style: chr2-179518937-T-C.
Other names: c.38378A>G (NM_001267550.1); c.13283-11893A>G (NM_003319.4); c.13859-11893A>G (NM_133437.4); c.13658-11893A>G (NM_133432.3); c.31742-1669A>G (NM_133378.4); c.34523-1669A>G (NM_001256850.1); short protein forms K12793R.
Identifiers: ClinVar variation 413203 (VCV000413203.17), dbSNP rs189389531, ClinGen allele CA1997158.